The following is an entry in ClinVar:

ClinVar aggregate classification (germline): Pathogenic/Likely pathogenic. Review status: criteria provided, multiple submitters, no conflicts (2 of 4 stars). 4 submissions from 4 submitters: Pathogenic (3); Likely pathogenic (1). Last evaluated 2025-11-11.

Conditions:
Hereditary cancer-predisposing syndrome. Also called: Tumor predisposition; Hereditary neoplastic syndrome; Neoplastic Syndromes, Hereditary; Hereditary Cancer Syndrome. Identifiers: Orphanet 140162, MedGen C0027672, MeSH D009386, MONDO:0015356.
Familial adenomatous polyposis 4 (FAP4). Also called: MSH3-related attenuated familial adenomatous polyposis. Identifiers: Orphanet 480536, MedGen C4310719, MONDO:0044300, OMIM 617100.
Endometrial carcinoma. Also called: Endometrial carcinoma, somatic. Identifiers: MedGen C0476089, MONDO:0002447, OMIM 608089, HP:0012114.

Submissions (4):

Myriad Genetics, Inc.
Classification: Pathogenic for Familial adenomatous polyposis 4. Last evaluated: 2025-11-11. Review status: criteria provided, single submitter. Criteria: Myriad Autosomal Dominant, Autosomal Recessive and X-Linked Classification Criteria (2023). Collection method: clinical testing. Allele origin: unknown.
Comment: This variant is considered pathogenic. This variant creates a frameshift predicted to result in premature protein truncation.

Baylor Genetics
Classification: Likely pathogenic for Endometrial carcinoma. Last evaluated: 2023-12-22. Review status: criteria provided, single submitter. Criteria: ACMG Guidelines, 2015. Collection method: clinical testing. Allele origin: unknown.

Ambry Genetics
Classification: Pathogenic for Hereditary cancer-predisposing syndrome. Last evaluated: 2023-04-27. Review status: criteria provided, single submitter. Criteria: Ambry Variant Classification Scheme 2023. Collection method: clinical testing. Allele origin: germline.
Comment: The c.1116delT variant, located in coding exon 7 of the MSH3 gene, results from a deletion of one nucleotide at nucleotide position 1116, causing a translational frameshift with a predicted alternate stop codon (p.E373Kfs*42). This variant is considered to be rare based on population cohorts in the Genome Aggregation Database (gnomAD). This alteration is expected to result in loss of function by premature protein truncation or nonsense-mediated mRNA decay. As such, this alteration is interpreted as a disease-causing mutation.

Labcorp Genetics (formerly Invitae), Labcorp
Classification: Pathogenic. Last evaluated: 2023-01-20. Review status: criteria provided, single submitter. Criteria: Invitae Variant Classification Sherloc (09022015). Collection method: clinical testing. Allele origin: germline.
Comment: For these reasons, this variant has been classified as Pathogenic. ClinVar contains an entry for this variant (Variation ID: 1075364). This variant has not been reported in the literature in individuals affected with MSH3-related conditions. This variant is not present in population databases (gnomAD no frequency). This sequence change creates a premature translational stop signal (p.Glu373Lysfs*42) in the MSH3 gene. It is expected to result in an absent or disrupted protein product. Loss-of-function variants in MSH3 are known to be pathogenic (PMID: 27476653).

Literature cited by the submitters: PubMed 27476653 (cited by Labcorp Genetics (formerly Invitae), Labcorp).

NM_002439.5(MSH3):c.1116del (p.Glu373fs)

Gene: MSH3 (mutS homolog 3; plus strand). Cytogenetic location: 5q14.1.
Variant type: Deletion.
Coding change: c.1116del on transcript NM_002439.5 (MANE Select); coding-DNA position 1116, one base deleted (T; older notation c.1116delT).
Protein change: p.Glu373fs; shifts the reading frame from glutamic acid 373.
Molecular consequence: frameshift variant.
Genome position (GRCh38, 1-based): chr5:80,675,071, T deleted. VCF-style (leftmost placement, unchanged base first): chr5-80675070-CT-C. GRCh37 (hg19) VCF-style: chr5-79970889-CT-C.
Other names: c.1116delT (NM_002439.3); short protein forms E373fs.
Identifiers: ClinVar variation 1075364 (VCV001075364.11), dbSNP rs2112816043, ClinGen allele CA2499217931.